The following is an entry in ClinVar:

ClinVar aggregate classification (germline): Benign. Review status: criteria provided, single submitter (1 of 4 stars). 2 submissions from 2 submitters: Benign (1). 1 of the submissions does not count toward it. Last evaluated 2018-01-13.

Conditions:
KRT13-related disorder. Also called: KRT13-related condition.
White sponge nevus 2 (WSN2). Identifiers: MedGen C4014321, MONDO:0014346, OMIM 615785.

Allele frequency attached by ClinVar (database versions not stated): ESP Exome Variant Server 0.00008; gnomAD 0.00010 and 0.00024; TOPMed 0.00012; gnomAD exomes 0.00033 and 0.00052; ExAC 0.00054; 1000 Genomes Project 30x 0.00062; 1000 Genomes Project 0.00080.
gnomAD v4.1: 516 of 1,614,204 alleles (0.032%); highest among the groups gnomAD compares: South Asian, 0.46%; 7 homozygotes.

Submissions (2):

Illumina Laboratory Services, Illumina
Classification: Benign for White sponge nevus 2. Last evaluated: 2018-01-13. Review status: criteria provided, single submitter. Criteria: ICSL Variant Classification Criteria 13 December 2019. Collection method: clinical testing. Allele origin: germline.
Comment: This variant was observed in the ICSL laboratory as part of a predisposition screen in an ostensibly healthy population. It had not been previously curated by ICSL or reported in the Human Gene Mutation Database (HGMD: prior to June 1st, 2018), and was therefore a candidate for classification through an automated scoring system. Utilizing variant allele frequency, disease prevalence and penetrance estimates, and inheritance mode, an automated score was calculated to assess if this variant is too frequent to cause the disease. Based on the score and internal cut-off values, a variant classified as benign is not then subjected to further curation. The score for this variant resulted in a classification of benign for this disease.

PreventionGenetics, part of Exact Sciences
Classification: Likely benign for KRT13-related condition. Last evaluated: 2021-02-01. Review status: no assertion criteria provided. Collection method: clinical testing. Allele origin: germline. Not counted in ClinVar's aggregate classification.
Comment: This variant is classified as likely benign based on ACMG/AMP sequence variant interpretation guidelines (Richards et al. 2015 PMID: 25741868, with internal and published modifications).

NM_153490.3(KRT13):c.815G>A (p.Arg272His)

Gene: KRT13 (keratin 13; minus strand). Cytogenetic location: 17q21.2.
Variant type: single nucleotide variant.
Coding change: c.815G>A on transcript NM_153490.3 (MANE Select); coding-DNA position 815, G replaced by A.
Protein change: p.Arg272His; replaces arginine 272 with histidine.
Molecular consequence: missense variant.
Genome position (GRCh38, 1-based): chr17:41,503,019, C>T on the plus strand (G>A on the coding strand, the complement: KRT13 is on the minus strand). VCF-style: chr17-41503019-C-T. GRCh37 (hg19) VCF-style: chr17-39659271-C-T.
Other names: c.815G>A, p.Arg272His (NM_002274.4); short protein forms R272H.
Identifiers: ClinVar variation 323087 (VCV000323087.7), dbSNP rs142526332, ClinGen allele CA8560639.